The following is an entry in ClinVar:

ClinVar aggregate classification (germline): Likely benign (0 of 4 stars; one submission).

Conditions:
SPTBN5-related disorder. Also called: SPTBN5-related condition.

Allele frequency attached by ClinVar (database versions not stated): ExAC 0.00002; gnomAD exomes 0.00003; gnomAD 0.00007; ESP Exome Variant Server 0.00008; TOPMed 0.00009.
gnomAD v4.1: 49 of 1,613,762 alleles (0.003%); highest among the groups gnomAD compares: Admixed American, 0.0067%; no homozygotes.

Submission:

PreventionGenetics, part of Exact Sciences
Classification: Likely benign for SPTBN5-related condition. Last evaluated: 2019-03-15. Review status: no assertion criteria provided. Collection method: clinical testing. Allele origin: germline.
Comment: This variant is classified as likely benign based on ACMG/AMP sequence variant interpretation guidelines (Richards et al. 2015 PMID: 25741868, with internal and published modifications).

NM_016642.4(SPTBN5):c.120C>T (p.Tyr40=)

Genes: SPTBN5 (spectrin beta, non-erythrocytic 5; minus strand), LOC105370792 (uncharacterized LOC105370792; plus strand). Cytogenetic location: 15q15.1.
Variant type: single nucleotide variant.
Coding change: c.120C>T on transcript NM_016642.4 (MANE Select); coding-DNA position 120, C replaced by T.
Protein change: p.Tyr40=; no amino-acid change (tyrosine 40 retained).
Molecular consequence: synonymous variant.
Genome position (GRCh38, 1-based): chr15:41,893,378, G>A on the plus strand (C>T on the coding strand, the complement: SPTBN5 is on the minus strand). VCF-style: chr15-41893378-G-A. GRCh37 (hg19) VCF-style: chr15-42185576-G-A.
Identifiers: ClinVar variation 3047832 (VCV003047832.2), dbSNP rs374935784, ClinGen allele CA7504547.